The following is an entry in ClinVar:

ClinVar aggregate classification (germline): Uncertain significance. Review status: criteria provided, single submitter (1 of 4 stars). 2 submissions from 2 submitters: Uncertain significance (1). 1 of the submissions does not count toward it. Last evaluated 2025-03-27.

Conditions:
PCNT-related disorder. Also called: PCNT-related condition.
Inborn genetic diseases. Identifiers: MedGen C0950123, MeSH D030342.

gnomAD v4.1: 34 of 1,612,008 alleles (0.0021%); highest among the groups gnomAD compares: Non-Finnish European, 0.0028%; no homozygotes.

Submissions (2):

Ambry Genetics
Classification: Uncertain significance for Inborn genetic diseases. Last evaluated: 2025-03-27. Review status: criteria provided, single submitter. Criteria: Ambry Variant Classification Scheme 2023. Collection method: clinical testing. Allele origin: germline.

PreventionGenetics, part of Exact Sciences
Classification: Uncertain significance for PCNT-related condition. Last evaluated: 2024-09-12. Review status: no assertion criteria provided. Collection method: clinical testing. Allele origin: germline. Not counted in ClinVar's aggregate classification.
Comment: The PCNT c.3556C>T variant is predicted to result in the amino acid substitution p.Arg1186Cys. To our knowledge, this variant has not been reported in the literature. This variant is reported in 0.0029% of alleles in individuals of Latino descent in gnomAD. At this time, the clinical significance of this variant is uncertain due to the absence of conclusive functional and genetic evidence.

NM_006031.6(PCNT):c.3556C>T (p.Arg1186Cys)

Gene: PCNT (pericentrin; plus strand). Cytogenetic location: 21q22.3.
Variant type: single nucleotide variant.
Coding change: c.3556C>T on transcript NM_006031.6 (MANE Select); coding-DNA position 3556, C replaced by T.
Protein change: p.Arg1186Cys; replaces arginine 1186 with cysteine.
Molecular consequence: missense variant.
Genome position (GRCh38, 1-based): chr21:46,388,833, C>T. VCF-style: chr21-46388833-C-T. GRCh37 (hg19) VCF-style: chr21-47808748-C-T.
Other names: c.3202C>T, p.Arg1068Cys (NM_001315529.2); short protein forms R1068C, R1186C.
Identifiers: ClinVar variation 3351137 (VCV003351137.2).